The following is an entry in ClinVar:

NM_001278116.2(L1CAM):c.487A>G (p.Ser163Gly)

Gene: L1CAM (L1 cell adhesion molecule; minus strand). Cytogenetic location: Xq28.
Variant type: single nucleotide variant.
Coding change: c.487A>G on transcript NM_001278116.2 (MANE Select); coding-DNA position 487, A replaced by G.
Protein change: p.Ser163Gly; replaces serine 163 with glycine.
Molecular consequence: missense variant.
Genome position (GRCh38, 1-based): chrX:153,871,093, T>C on the plus strand (A>G on the coding strand, the complement: L1CAM is on the minus strand). VCF-style: chrX-153871093-T-C. GRCh37 (hg19) VCF-style: chrX-153136548-T-C.
Other names: c.487A>G, p.Ser163Gly (NM_000425.5, NM_024003.3); c.472A>G, p.Ser158Gly (NM_001143963.2); short protein forms S158G, S163G.
Identifiers: ClinVar variation 648406 (VCV000648406.8), dbSNP rs1603276226, ClinGen allele CA415136462.

ClinVar aggregate classification (germline): Uncertain significance (1 of 4 stars; one submission).

Conditions:
Spastic paraplegia. Identifiers: MedGen C0037772, HP:0001258.

Allele frequency attached by ClinVar (database versions not stated): TOPMed below 0.00001.

Submission:

Labcorp Genetics (formerly Invitae), Labcorp
Classification: Uncertain significance for Spastic paraplegia. Last evaluated: 2020-02-17. Review status: criteria provided, single submitter. Criteria: Invitae Variant Classification Sherloc (09022015). Collection method: clinical testing. Allele origin: germline.
Comment: This variant is not present in population databases (ExAC no frequency). This variant has not been reported in the literature in individuals with L1CAM-related disease. Algorithms developed to predict the effect of missense changes on protein structure and function (SIFT, PolyPhen-2, Align-GVGD) all suggest that this variant is likely to be disruptive, but these predictions have not been confirmed by published functional studies and their clinical significance is uncertain. Algorithms developed to predict the effect of sequence changes on RNA splicing suggest that this variant may create or strengthen a splice site, but this prediction has not been confirmed by published transcriptional studies. In summary, the available evidence is currently insufficient to determine the role of this variant in disease. Therefore, it has been classified as a Variant of Uncertain Significance. This sequence change replaces serine with glycine at codon 163 of the L1CAM protein (p.Ser163Gly). The serine residue is highly conserved and there is a small physicochemical difference between serine and glycine.